The following is an entry in ClinVar:

ClinVar aggregate classification (germline): Uncertain significance (1 of 4 stars; one submission).

Conditions:
Aicardi-Goutieres syndrome 6 (AGS6). Identifiers: Orphanet 51, MedGen C3539013, MONDO:0014007, OMIM 615010.
Symmetrical dyschromatosis of extremities (DSH). Also called: Dyschromatosis symmetrica hereditaria; DYSCHROMATOSIS SYMMETRICA HEREDITARIA 1; RETICULATE ACROPIGMENTATION OF DOHI; SYMMETRIC DYSCHROMATOSIS OF THE EXTREMITIES. Identifiers: Orphanet 41, MedGen C0406775, MONDO:0007483, OMIM 127400.

gnomAD v4.1: 2 of 1,614,226 alleles (0.00012%); highest among the groups gnomAD compares: Admixed American, 0.0017%; no homozygotes.

Submission:

Labcorp Genetics (formerly Invitae), Labcorp
Classification: Uncertain significance for Aicardi-Goutieres syndrome 6; Symmetrical dyschromatosis of extremities. Last evaluated: 2025-12-22. Review status: criteria provided, single submitter. Criteria: Invitae Variant Classification Sherloc (09022015). Collection method: clinical testing. Allele origin: germline.
Comment: This sequence change replaces lysine, which is basic and polar, with arginine, which is basic and polar, at codon 494 of the ADAR protein (p.Lys494Arg). This variant is present in population databases (rs754377216, gnomAD 0.003%). This variant has not been reported in the literature in individuals affected with ADAR-related conditions. Invitae Evidence Modeling of protein sequence and biophysical properties (such as structural, functional, and spatial information, amino acid conservation, physicochemical variation, residue mobility, and thermodynamic stability) indicates that this missense variant is not expected to disrupt ADAR protein function with a negative predictive value of 80%. Algorithms developed to predict the effect of sequence changes on RNA splicing suggest that this variant may create or strengthen a splice site. In summary, the available evidence is currently insufficient to determine the role of this variant in disease. Therefore, it has been classified as a Variant of Uncertain Significance.

NM_001111.5(ADAR):c.1481A>G (p.Lys494Arg)

Gene: ADAR (adenosine deaminase RNA specific; minus strand). Cytogenetic location: 1q21.3.
Variant type: single nucleotide variant.
Coding change: c.1481A>G on transcript NM_001111.5 (MANE Select); coding-DNA position 1481, A replaced by G.
Protein change: p.Lys494Arg; replaces lysine 494 with arginine.
Molecular consequence: missense variant.
Genome position (GRCh38, 1-based): chr1:154,601,161, T>C on the plus strand (A>G on the coding strand, the complement: ADAR is on the minus strand). VCF-style: chr1-154601161-T-C. GRCh37 (hg19) VCF-style: chr1-154573637-T-C.
Other names: c.596A>G, p.Lys199Arg (NM_001025107.3, NM_001193495.2, NM_001365046.1 and 3 more transcripts); c.1508A>G, p.Lys503Arg (NM_001365045.1); c.1481A>G, p.Lys494Arg (NM_015840.4, NM_015841.4); short protein forms K494R, K199R, K503R.
Identifiers: ClinVar variation 4782868 (VCV004782868.1).